The following is an entry in ClinVar:

NM_207037.2(TCF12):c.1429G>T (p.Gly477Ter)

Gene: TCF12 (transcription factor 12; plus strand). Cytogenetic location: 15q21.3.
Variant type: single nucleotide variant.
Coding change: c.1429G>T on transcript NM_207037.2 (MANE Select); coding-DNA position 1429, G replaced by T.
Protein change: p.Gly477Ter; replaces glycine 477 with a stop codon.
Molecular consequence: nonsense.
Genome position (GRCh38, 1-based): chr15:57,253,430, G>T. VCF-style: chr15-57253430-G-T. GRCh37 (hg19) VCF-style: chr15-57545628-G-T.
Other names: c.1429G>T, p.Gly477Ter (NM_001322159.3, NM_001322162.2, NM_207036.2 and 2 more transcripts); c.1426G>T, p.Gly476Ter (NM_001322161.2); c.1393G>T, p.Gly465Ter (NM_001322164.2); c.1357G>T, p.Gly453Ter (NM_001322165.2, NM_003205.4, NM_207038.2 and 1 more transcripts); c.847G>T, p.Gly283Ter (NM_207040.2); c.919G>T, p.Gly307Ter (NM_001306219.3); c.649G>T, p.Gly217Ter (NM_001306220.3); c.772G>T, p.Gly258Ter (NM_001322154.2); and 2 more; short protein forms G217*, G258*, G283*, G307*, G395*, G419*, G453*, G465*.
Identifiers: ClinVar variation 4886221 (VCV004886221.2).
Genomic context (GRCh38, chr15:57,253,430, plus strand): 5'-CATAGTTTATTGGGACCATCCCATAATGCACCAATTGGAAGCCTCAATTCAAACTATGGA[G>T]GATCAAGCCTTGTTGCAAGCAGTCGATCAGCTTCAATGGTAAAATCATGCTCATCTTTTT-3'

ClinVar aggregate classification (germline): Likely pathogenic (1 of 4 stars; one submission).

Submission:

Dasa
Classification: Likely pathogenic. Last evaluated: 2026-01-15. Review status: criteria provided, single submitter. Criteria: DASA Assertion Criteria. Collection method: clinical testing. Allele origin: germline.
Comment: NM_207037.2(TCF12):c.1429G>T (p.Gly477*) is a nonsense variant in TCF12 predicted to introduce a premature termination codon and is predicted to result in an absent or altered protein product. Loss of function is an established disease mechanism for TCF12 (PMID: 23354436; PMID: 25271085; PMID: 30858722). Also, this variant is rare in population databases. Based on the currently available evidence, this variant is classified as likely pathogenic.

Literature cited by the submitters: PubMed 23354436; PubMed 25271085; PubMed 30858722.